The following is an entry in ClinVar:

ClinVar aggregate classification (germline): Uncertain significance (1 of 4 stars; one submission).

Submission:

Labcorp Genetics (formerly Invitae), Labcorp
Classification: Uncertain significance. Last evaluated: 2022-12-24. Review status: criteria provided, single submitter. Criteria: Invitae Variant Classification Sherloc (09022015). Collection method: clinical testing. Allele origin: germline.
Comment: This sequence change replaces serine, which is neutral and polar, with arginine, which is basic and polar, at codon 94 of the MKL1 protein (p.Ser94Arg). This variant is not present in population databases (gnomAD no frequency). This variant has not been reported in the literature in individuals affected with MKL1-related conditions. Algorithms developed to predict the effect of missense changes on protein structure and function are either unavailable or do not agree on the potential impact of this missense change (SIFT: "Tolerated"; PolyPhen-2: "Probably Damaging"; Align-GVGD: "Class C0"). In summary, the available evidence is currently insufficient to determine the role of this variant in disease. Therefore, it has been classified as a Variant of Uncertain Significance.

NM_020831.6(MRTFA):c.582C>A (p.Ser194Arg)

Gene: MRTFA (myocardin related transcription factor A; minus strand). Cytogenetic location: 22q13.1.
Variant type: single nucleotide variant.
Coding change: c.582C>A on transcript NM_020831.6 (MANE Select); coding-DNA position 582, C replaced by A.
Protein change: p.Ser194Arg; replaces serine 194 with arginine.
Molecular consequence: missense variant.
Genome position (GRCh38, 1-based): chr22:40,429,625, G>T on the plus strand (C>A on the coding strand, the complement: MRTFA is on the minus strand). VCF-style: chr22-40429625-G-T. GRCh37 (hg19) VCF-style: chr22-40825629-G-T.
Other names: c.282C>A, p.Ser94Arg (NM_001282660.2); c.582C>A, p.Ser194Arg (NM_001282661.3, NM_001282662.3); c.387C>A, p.Ser129Arg (NM_001318139.2); short protein forms S129R, S194R, S94R.
Identifiers: ClinVar variation 2788373 (VCV002788373.3), dbSNP rs2517845507, ClinGen allele CA411667959.